The following is an entry in ClinVar:

NM_006766.5(KAT6A):c.3061dup (p.Arg1021fs)

Gene: KAT6A (lysine acetyltransferase 6A; minus strand). Cytogenetic location: 8p11.21.
Variant type: Duplication.
Coding change: c.3061dup on transcript NM_006766.5 (MANE Select); coding-DNA position 3061, one base duplicated (A; older notation c.3061dupA).
Protein change: p.Arg1021fs; shifts the reading frame from arginine 1021.
Molecular consequence: frameshift variant.
Genome position (GRCh38, 1-based): chr8:41,937,547, T duplicated on the plus strand (A on the coding strand, the reverse complement: KAT6A is on the minus strand). VCF-style (leftmost placement, unchanged base first): chr8-41937546-C-CT. GRCh37 (hg19) VCF-style: chr8-41795064-C-CT.
Other names: short protein forms R1021fs.
Identifiers: ClinVar variation 2664922 (VCV002664922.1), dbSNP rs2486763995, ClinGen allele CA2695199681.

ClinVar aggregate classification (germline): Uncertain significance (1 of 4 stars; one submission).

Conditions:
Autosomal dominant intellectual disability-craniofacial anomalies-cardiac defects syndrome (ARTHS). Also called: KAT6A syndrome; Mental retardation, autosomal dominant 32; Arboleda-Tham syndrome. Identifiers: Orphanet 457193, MedGen C4225396, MONDO:0014558, OMIM 616268.

Submission:

Neuberg Centre For Genomic Medicine, NCGM
Classification: Uncertain significance for Autosomal dominant intellectual disability-craniofacial anomalies-cardiac defects syndrome. Last evaluated: 2023-02-14. Review status: criteria provided, single submitter. Criteria: ACMG Guidelines, 2015. Collection method: clinical testing. Allele origin: germline. Inheritance: Autosomal dominant inheritance. Affected: yes.
Comment: The frameshift c.3061dup (p.Arg1021LysfsTer11) variant has not been reported previously as a pathogenic variant nor as a benign variant, to our knowledge. The p.Arg1021LysfsTer11 variant is novel (not in any individuals) in gnomAD Exomes and 1000 Genomes. This variant has not been reported to the ClinVar database. Loss of function variants have been previously reported to be disease causing. However since this variant is present in the penultimate exon, functional studies will be required to prove protein truncation. Hence the variant is classified as Variant of Uncertain Significance (VUS).